The following is an entry in ClinVar:

NM_020975.6(RET):c.1182C>G (p.Asn394Lys)

Gene: RET (ret proto-oncogene; plus strand). Cytogenetic location: 10q11.21.
Variant type: single nucleotide variant.
Coding change: c.1182C>G on transcript NM_020975.6 (MANE Select); coding-DNA position 1182, C replaced by G.
Protein change: p.Asn394Lys; replaces asparagine 394 with lysine.
Molecular consequence: missense variant. On other transcripts: intron variant (18).
Genome position (GRCh38, 1-based): chr10:43,109,149, C>G. VCF-style: chr10-43109149-C-G. GRCh37 (hg19) VCF-style: chr10-43604597-C-G.
Other names: c.1182C>G, p.Asn394Lys (NM_000323.2, NM_001406743.1, NM_001406744.1 and 6 more transcripts); c.420C>G, p.Asn140Lys (NM_001355216.2); c.1053C>G, p.Asn351Lys (NM_001406761.1, NM_001406762.1, NM_001406764.1 and 1 more transcripts); c.456C>G, p.Asn152Lys (NM_001406777.1, NM_001406778.1, NM_001406775.1 and 1 more transcripts); c.192C>G, p.Asn64Lys (NM_001406784.1); c.868-2058C>G (NM_001406772.1, NM_001406769.1); c.626-2950C>G (NM_001406782.1, NM_001406780.1, NM_001406779.1 and 3 more transcripts); c.739-2058C>G (NM_001406774.1); and 5 more; short protein forms N64K, N140K, N248K, N351K, N394K, N298K, N152K.
Identifiers: ClinVar variation 2447527 (VCV002447527.4), dbSNP rs376465385, ClinGen allele CA376547696.

ClinVar aggregate classification (germline): Uncertain significance. Review status: criteria provided, multiple submitters, no conflicts (2 of 4 stars). 2 submissions from 2 submitters: Uncertain significance (2). Last evaluated 2025-12-18.

Conditions:
Hereditary cancer-predisposing syndrome. Also called: Neoplastic Syndromes, Hereditary; Tumor predisposition; Hereditary Cancer Syndrome; Hereditary neoplastic syndrome. Identifiers: Orphanet 140162, MedGen C0027672, MeSH D009386, MONDO:0015356.
Multiple endocrine neoplasia, type 2 (MEN2). Identifiers: Orphanet 653, MedGen C4048306, MONDO:0019003. Disease mechanism: gain of function.

Submissions (2):

Ambry Genetics
Classification: Uncertain significance for Hereditary cancer-predisposing syndrome. Last evaluated: 2025-12-18. Review status: criteria provided, single submitter. Criteria: Ambry Variant Classification Scheme 2023. Collection method: clinical testing. Allele origin: germline.
Comment: The p.N394K variant (also known as c.1182C>G), located in coding exon 6 of the RET gene, results from a C to G substitution at nucleotide position 1182. The asparagine at codon 394 is replaced by lysine, an amino acid with similar properties. This alteration was identified in an individual with Hirschsprung disease (Bolk S et al. Proc Natl Acad Sci U S A, 2000 Jan;97:268-73). This amino acid position is highly conserved in available vertebrate species. In addition, this alteration is predicted to be tolerated by in silico analysis. Since supporting evidence is limited at this time, the clinical significance of this alteration remains unclear.

Labcorp Genetics (formerly Invitae), Labcorp
Classification: Uncertain significance for Multiple endocrine neoplasia, type 2. Last evaluated: 2025-09-14. Review status: criteria provided, single submitter. Criteria: Invitae Variant Classification Sherloc (09022015). Collection method: clinical testing. Allele origin: germline.
Comment: This sequence change replaces asparagine, which is neutral and polar, with lysine, which is basic and polar, at codon 394 of the RET protein (p.Asn394Lys). This variant is not present in population databases (gnomAD no frequency). This missense change has been observed in individual(s) with Hirschsprung disease (PMID: 10618407). ClinVar contains an entry for this variant (Variation ID: 2447527). An algorithm developed to predict the effect of missense changes on protein structure and function (PolyPhen-2) suggests that this variant is likely to be tolerated. In summary, the available evidence is currently insufficient to determine the role of this variant in disease. Therefore, it has been classified as a Variant of Uncertain Significance.

Literature cited by the submitters: PubMed 10618407 (cited by Ambry Genetics and Labcorp Genetics (formerly Invitae), Labcorp).